The following is an entry in ClinVar:

NM_001267550.2(TTN):c.47553C>T (p.Val15851=)

Genes: TTN (titin; minus strand), TTN-AS1 (TTN antisense RNA 1; plus strand). Cytogenetic location: 2q31.2.
Variant type: single nucleotide variant.
Coding change: c.47553C>T on transcript NM_001267550.2 (MANE Select); coding-DNA position 47553, C replaced by T.
Protein change: p.Val15851=; no amino-acid change (valine 15851 retained).
Molecular consequence: synonymous variant.
Genome position (GRCh38, 1-based): chr2:178,617,798, G>A on the plus strand (C>T on the coding strand, the complement: TTN is on the minus strand). VCF-style: chr2-178617798-G-A. GRCh37 (hg19) VCF-style: chr2-179482525-G-A.
Other names: c.42630C>T, p.Val14210= (NM_001256850.1); c.20358C>T, p.Val6786= (NM_003319.4); c.39849C>T, p.Val13283= (NM_133378.4); c.20733C>T, p.Val6911= (NM_133432.3); c.20934C>T, p.Val6978= (NM_133437.4).
Identifiers: ClinVar variation 1591431 (VCV001591431.9), dbSNP rs1207097069, ClinGen allele CA430273657.

ClinVar aggregate classification (germline): Likely benign. Review status: criteria provided, multiple submitters, no conflicts (2 of 4 stars). 2 submissions from 2 submitters: Likely benign (2). Last evaluated 2026-08-01.

Conditions:
Dilated cardiomyopathy 1G (CMD1G). Identifiers: Orphanet 154, MedGen C1858763, MONDO:0011400, OMIM 604145.
Autosomal recessive limb-girdle muscular dystrophy type 2J (LGMDR10). Also called: MUSCULAR DYSTROPHY, LIMB-GIRDLE, AUTOSOMAL RECESSIVE 10; Limb-girdle muscular dystrophy, type 2J. Identifiers: Orphanet 140922, MedGen C1837342, MONDO:0012127, OMIM 608807.

Allele frequency attached by ClinVar (database versions not stated): gnomAD exomes below 0.00001; TOPMed below 0.00001; gnomAD 0.00001.
gnomAD v4.1: 4 of 1,612,126 alleles (0.00025%); highest among the groups gnomAD compares: South Asian, 0.0033%; no homozygotes.

Submissions (2):

CeGaT Center for Human Genetics Tuebingen
Classification: Likely benign. Last evaluated: 2026-08-01. Review status: criteria provided, single submitter. Criteria: CeGaT Center For Human Genetics Tuebingen Variant Classification Criteria Version 2. Collection method: clinical testing. Allele origin: germline. Affected: yes. Observed: 1 variant allele.
Comment: TTN: BP4, BP7

Labcorp Genetics (formerly Invitae), Labcorp
Classification: Likely benign for Dilated cardiomyopathy 1G; Autosomal recessive limb-girdle muscular dystrophy type 2J. Last evaluated: 2023-03-19. Review status: criteria provided, single submitter. Criteria: Invitae Variant Classification Sherloc (09022015). Collection method: clinical testing. Allele origin: germline.